The following is an entry in ClinVar:

NM_001291303.3(FAT4):c.7831G>A (p.Gly2611Ser)

Gene: FAT4 (FAT atypical cadherin 4; plus strand). Cytogenetic location: 4q28.1.
Variant type: single nucleotide variant.
Coding change: c.7831G>A on transcript NM_001291303.3 (MANE Select); coding-DNA position 7831, G replaced by A.
Protein change: p.Gly2611Ser; replaces glycine 2611 with serine.
Molecular consequence: missense variant.
Genome position (GRCh38, 1-based): chr4:125,448,841, G>A. VCF-style: chr4-125448841-G-A. GRCh37 (hg19) VCF-style: chr4-126369996-G-A.
Other names: c.7831G>A, p.Gly2611Ser (NM_001291285.3); c.7825G>A, p.Gly2609Ser (NM_024582.6); short protein forms G2611S, G2609S.
Identifiers: ClinVar variation 1346728 (VCV001346728.8), dbSNP rs2126057163, ClinGen allele CA358143830.

ClinVar aggregate classification (germline): Uncertain significance (1 of 4 stars; one submission).

Submission:

Labcorp Genetics (formerly Invitae), Labcorp
Classification: Uncertain significance. Last evaluated: 2021-04-19. Review status: criteria provided, single submitter. Criteria: Invitae Variant Classification Sherloc (09022015). Collection method: clinical testing. Allele origin: germline.
Comment: In summary, the available evidence is currently insufficient to determine the role of this variant in disease. Therefore, it has been classified as a Variant of Uncertain Significance. Advanced modeling of protein sequence and biophysical properties (such as structural, functional, and spatial information, amino acid conservation, physicochemical variation, residue mobility, and thermodynamic stability) performed at Invitae indicates that this missense variant is not expected to disrupt FAT4 protein function. This variant has not been reported in the literature in individuals with FAT4-related conditions. This variant is not present in population databases (ExAC no frequency). This sequence change replaces glycine with serine at codon 2609 of the FAT4 protein (p.Gly2609Ser). The glycine residue is highly conserved and there is a small physicochemical difference between glycine and serine.